The following is an entry in ClinVar:

ClinVar aggregate classification (germline): Pathogenic (1 of 4 stars; one submission).

Conditions:
Autosomal recessive limb-girdle muscular dystrophy. Identifiers: Orphanet 102015, MedGen C2931907, MONDO:0015152.

Submission:

Women's Health and Genetics/Laboratory Corporation of America, LabCorp
Classification: Pathogenic for Autosomal recessive limb-girdle muscular dystrophy. Last evaluated: 2022-06-07. Review status: criteria provided, single submitter. Criteria: LabCorp Variant Classification Summary - May 2015. Collection method: clinical testing. Allele origin: germline.
Comment: Variant summary: The variant identified by MLPA or other technology involves the deletion of exon 7 in the SGCG gene. A presumed nomenclature of c.(578+1_579-1)_(702+1_703-1)del has been designated for the purposes of this classification. Although exact breakpoints of this deletion are not known, it is expected to result in a frameshift in the SGCG gene, a known mechanism of disease. The variant was absent in 21602 control chromosomes (gnomAD, Structural Variants dataset). Deletion of exon 7 has been reported in the literature in multiple individuals affected with Limb-Girdle Muscular Dystrophy, Autosomal Recessive (e.g. Trabelsi_2008, Piluso_2011, Alonso-Perez_2020). These data indicate that the variant is very likely to be associated with disease. A ClinVar submitter (evaluation after 2014) cites the variant as pathogenic. Based on the evidence outlined above, the variant was classified as pathogenic.

Literature cited by the submitters: PubMed 21896784; PubMed 18285821; PubMed 32875335.

NC_000013.10:g.(23869627_23894775)_(23894900_23898506)del

Gene: SGCG (sarcoglycan gamma; plus strand). Cytogenetic location: 13q12.12.
Variant type: Deletion.
Identifiers: ClinVar variation 1698497 (VCV001698497.1).